The following is an entry in ClinVar:

NM_144687.4(NLRP12):c.2739C>G (p.Cys913Trp)

Gene: NLRP12 (NLR family pyrin domain containing 12; minus strand). Cytogenetic location: 19q13.42.
Variant type: single nucleotide variant.
Coding change: c.2739C>G on transcript NM_144687.4 (MANE Select); coding-DNA position 2739, C replaced by G.
Protein change: p.Cys913Trp; replaces cysteine 913 with tryptophan.
Molecular consequence: missense variant.
Genome position (GRCh38, 1-based): chr19:53,801,244, G>C on the plus strand (C>G on the coding strand, the complement: NLRP12 is on the minus strand). VCF-style: chr19-53801244-G-C. GRCh37 (hg19) VCF-style: chr19-54304498-G-C.
Other names: c.2742C>G, p.Cys914Trp (NM_001277126.2); c.2739C>G, p.Cys913Trp (NM_001277129.1); short protein forms C913W, C914W.
Identifiers: ClinVar variation 1515819 (VCV001515819.6), dbSNP rs2122562229, ClinGen allele CA407408149.

ClinVar aggregate classification (germline): Uncertain significance (1 of 4 stars; one submission).

Conditions:
Familial cold autoinflammatory syndrome 2 (FCAS2). Identifiers: Orphanet 247868, MedGen C2673198, MONDO:0012724, OMIM 611762.

Allele frequency attached by ClinVar (database versions not stated): gnomAD exomes below 0.00001.
gnomAD v4.1: 1 of 1,613,924 alleles (0.000062%); highest among the groups gnomAD compares: South Asian, 0.0011%; no homozygotes.

Submission:

Labcorp Genetics (formerly Invitae), Labcorp
Classification: Uncertain significance for Familial cold autoinflammatory syndrome 2. Last evaluated: 2021-12-30. Review status: criteria provided, single submitter. Criteria: Invitae Variant Classification Sherloc (09022015). Collection method: clinical testing. Allele origin: germline.
Comment: In summary, the available evidence is currently insufficient to determine the role of this variant in disease. Therefore, it has been classified as a Variant of Uncertain Significance. Algorithms developed to predict the effect of missense changes on protein structure and function are either unavailable or do not agree on the potential impact of this missense change (SIFT: "Deleterious"; PolyPhen-2: "Probably Damaging"; Align-GVGD: "Class C0"). This variant has not been reported in the literature in individuals affected with NLRP12-related conditions. This variant is not present in population databases (gnomAD no frequency). This sequence change replaces cysteine, which is neutral and slightly polar, with tryptophan, which is neutral and slightly polar, at codon 913 of the NLRP12 protein (p.Cys913Trp).